The following is an entry in ClinVar:

NM_003366.4(UQCRC2):c.665G>C (p.Gly222Ala)

Genes: UQCRC2 (ubiquinol-cytochrome c reductase core protein 2), PDZD9 (PDZ domain containing 9). Cytogenetic location: 16p12.2.
Variant type: single nucleotide variant.
Coding change: c.665G>C on transcript NM_003366.4 (MANE Select); coding-DNA position 665, G replaced by C.
Protein change: p.Gly222Ala; replaces glycine 222 with alanine.
Molecular consequence: missense variant.
Genome position (GRCh38, 1-based): chr16:21,968,680, G>C. VCF-style: chr16-21968680-G-C. GRCh37 (hg19) VCF-style: chr16-21980001-G-C.
Other names: short protein forms G222A.
Identifiers: ClinVar variation 996066 (VCV000996066.8), dbSNP rs1898386320, ClinGen allele CA395251363.

ClinVar aggregate classification (germline): Pathogenic. Review status: criteria provided, single submitter (1 of 4 stars). 2 submissions from 2 submitters: Pathogenic (1). 1 of the submissions does not count toward it. Last evaluated 2020-11-23.

Conditions:
Mitochondrial complex III deficiency nuclear type 5. Identifiers: MedGen C3554608, MONDO:0014066, OMIM 615160.

Submissions (2):

Laboratory for Study of Mitochondrial Disorders, Charles University, First Faculty of Medicine - General University Hospital in Prague
Classification: Pathogenic for Mitochondrial complex III deficiency nuclear type 5. Last evaluated: 2020-11-23. Review status: criteria provided, single submitter. Criteria: ACMG Guidelines, 2015. Collection method: research, in vitro. Allele origin: germline, not applicable. Inheritance: Autosomal recessive inheritance. Affected: yes. Observed: 1 variant allele, 1 homozygote. Functional consequence: effect on protein interaction.

OMIM
Classification: Pathogenic for MITOCHONDRIAL COMPLEX III DEFICIENCY, NUCLEAR TYPE 5. Last evaluated: 2021-06-25. Review status: no assertion criteria provided. Collection method: literature only. Allele origin: germline. Not counted in ClinVar's aggregate classification.

Literature cited by the submitters: Burska, D., Stiburek, L., Krizova, J., Vanisova, M., Martinek, V., Sladkova, J., Zamecnik, J., Honzik, T., Zeman, J., Hansikova, H., Tesarova, M. Homozygous missense mutation in UQCRC2 associated with severe encephalomyopathy, mitochondrial complex III assembly defect and activation of mitochondrial protein quality control. Biochim. Biophys. Acta Molec. Basis Dis. 1867: 166147, 2021. (cited by OMIM).